The following is an entry in ClinVar:

NM_001364905.1(LRBA):c.4688G>T (p.Cys1563Phe)

Gene: LRBA (LPS responsive beige-like anchor protein; minus strand). Cytogenetic location: 4q31.3.
Variant type: single nucleotide variant.
Coding change: c.4688G>T on transcript NM_001364905.1 (MANE Select); coding-DNA position 4688, G replaced by T.
Protein change: p.Cys1563Phe; replaces cysteine 1563 with phenylalanine.
Molecular consequence: missense variant.
Genome position (GRCh38, 1-based): chr4:150,831,858, C>A on the plus strand (G>T on the coding strand, the complement: LRBA is on the minus strand). VCF-style: chr4-150831858-C-A. GRCh37 (hg19) VCF-style: chr4-151753010-C-A.
Other names: c.4688G>T, p.Cys1563Phe (NM_001199282.3, NM_001367550.1, NM_006726.5); short protein forms C1563F.
Identifiers: ClinVar variation 1015929 (VCV001015929.8), dbSNP rs745528043, ClinGen allele CA3102686.

ClinVar aggregate classification (germline): Conflicting classifications of pathogenicity. Review status: criteria provided, conflicting classifications (1 of 4 stars). 2 submissions from 2 submitters: Uncertain significance (1); Likely benign (1). Last evaluated 2025-06-23.

Conditions:
Inborn genetic diseases. Identifiers: MedGen C0950123, MeSH D030342.
Combined immunodeficiency due to LRBA deficiency. Also called: Common variable immunodeficiency 8, with autoimmunity. Identifiers: Orphanet 445018, MedGen C3553512, MONDO:0013863, OMIM 614700.

Allele frequency attached by ClinVar (database versions not stated): gnomAD exomes below 0.00001 and 0.00001; ExAC 0.00001; gnomAD 0.00001 and 0.00002; TOPMed 0.00002.

Submissions (2):

Labcorp Genetics (formerly Invitae), Labcorp
Classification: Uncertain significance for Combined immunodeficiency due to LRBA deficiency. Last evaluated: 2025-06-23. Review status: criteria provided, single submitter. Criteria: Invitae Variant Classification Sherloc (09022015). Collection method: clinical testing. Allele origin: germline.
Comment: This sequence change replaces cysteine, which is neutral and slightly polar, with phenylalanine, which is neutral and non-polar, at codon 1563 of the LRBA protein (p.Cys1563Phe). This variant is present in population databases (rs745528043, gnomAD 0.01%). This variant has not been reported in the literature in individuals affected with LRBA-related conditions. ClinVar contains an entry for this variant (Variation ID: 1015929). Invitae Evidence Modeling of protein sequence and biophysical properties (such as structural, functional, and spatial information, amino acid conservation, physicochemical variation, residue mobility, and thermodynamic stability) indicates that this missense variant is not expected to disrupt LRBA protein function with a negative predictive value of 80%. In summary, the available evidence is currently insufficient to determine the role of this variant in disease. Therefore, it has been classified as a Variant of Uncertain Significance.

Ambry Genetics
Classification: Likely benign for Inborn genetic diseases. Last evaluated: 2024-11-09. Review status: criteria provided, single submitter. Criteria: Ambry Variant Classification Scheme 2023. Collection method: clinical testing. Allele origin: germline.